The following is an entry in ClinVar:

ClinVar aggregate classification (germline): Uncertain significance. Review status: criteria provided, multiple submitters, no conflicts (2 of 4 stars). 3 submissions from 3 submitters: Uncertain significance (3). Last evaluated 2024-10-28.

Conditions:
KCNV2-related disorder. Also called: KCNV2-related condition.
Inborn genetic diseases. Identifiers: MedGen C0950123, MeSH D030342.

Allele frequency attached by ClinVar (database versions not stated): ExAC 0.00003.

Submissions (3):

PreventionGenetics, part of Exact Sciences
Classification: Uncertain significance for KCNV2-related condition. Last evaluated: 2024-10-28. Review status: criteria provided, single submitter. Criteria: ACMG Guidelines, 2015. Collection method: clinical testing. Allele origin: germline.
Comment: The KCNV2 c.652C>T variant is predicted to result in the amino acid substitution p.His218Tyr. To our knowledge, this variant has not been reported in the literature. This variant is reported in 0.016% of alleles in individuals of African descent in gnomAD. At this time, the clinical significance of this variant is uncertain due to the absence of conclusive functional and genetic evidence.

Ambry Genetics
Classification: Uncertain significance for Inborn genetic diseases. Last evaluated: 2024-08-27. Review status: criteria provided, single submitter. Criteria: Ambry Variant Classification Scheme 2023. Collection method: clinical testing. Allele origin: germline.

Labcorp Genetics (formerly Invitae), Labcorp
Classification: Uncertain significance. Last evaluated: 2022-08-09. Review status: criteria provided, single submitter. Criteria: Invitae Variant Classification Sherloc (09022015). Collection method: clinical testing. Allele origin: germline.
Comment: Advanced modeling of protein sequence and biophysical properties (such as structural, functional, and spatial information, amino acid conservation, physicochemical variation, residue mobility, and thermodynamic stability) performed at Invitae indicates that this missense variant is not expected to disrupt KCNV2 protein function. In summary, the available evidence is currently insufficient to determine the role of this variant in disease. Therefore, it has been classified as a Variant of Uncertain Significance. Algorithms developed to predict the effect of sequence changes on RNA splicing suggest that this variant may create or strengthen a splice site. ClinVar contains an entry for this variant (Variation ID: 1360688). This variant has not been reported in the literature in individuals affected with KCNV2-related conditions. This variant is present in population databases (rs755998410, gnomAD 0.02%). This sequence change replaces histidine, which is basic and polar, with tyrosine, which is neutral and polar, at codon 218 of the KCNV2 protein (p.His218Tyr).

NM_133497.4(KCNV2):c.652C>T (p.His218Tyr)

Gene: KCNV2 (potassium voltage-gated channel modifier subfamily V member 2; plus strand). Cytogenetic location: 9p24.2.
Variant type: single nucleotide variant.
Coding change: c.652C>T on transcript NM_133497.4 (MANE Select); coding-DNA position 652, C replaced by T.
Protein change: p.His218Tyr; replaces histidine 218 with tyrosine.
Molecular consequence: missense variant.
Genome position (GRCh38, 1-based): chr9:2,718,391, C>T. VCF-style: chr9-2718391-C-T. GRCh37 (hg19) VCF-style: chr9-2718391-C-T.
Other names: c.652C>T (NM_133497.3); short protein forms H218Y.
Identifiers: ClinVar variation 1360688 (VCV001360688.7), dbSNP rs755998410, ClinGen allele CA4965558.